The following is an entry in ClinVar:

ClinVar aggregate classification (germline): Uncertain significance (1 of 4 stars; one submission).

Allele frequency attached by ClinVar (database versions not stated): TOPMed 0.00001; gnomAD 0.00001.

Submission:

Labcorp Genetics (formerly Invitae), Labcorp
Classification: Uncertain significance. Last evaluated: 2026-01-18. Review status: criteria provided, single submitter. Criteria: Invitae Variant Classification Sherloc (09022015). Collection method: clinical testing. Allele origin: germline.
Comment: This sequence change replaces valine, which is neutral and non-polar, with isoleucine, which is neutral and non-polar, at codon 348 of the ANKZF1 protein (p.Val348Ile). This variant is not present in population databases (gnomAD no frequency). This variant has not been reported in the literature in individuals affected with ANKZF1-related conditions. ClinVar contains an entry for this variant (Variation ID: 1996955). An algorithm developed to predict the effect of missense changes on protein structure and function outputs the following: PolyPhen-2: "Benign". The isoleucine amino acid residue is found in multiple mammalian species, which suggests that this missense change does not adversely affect protein function. In summary, the available evidence is currently insufficient to determine the role of this variant in disease. Therefore, it has been classified as a Variant of Uncertain Significance.

NM_018089.3(ANKZF1):c.1042G>A (p.Val348Ile)

Gene: ANKZF1 (ankyrin repeat and zinc finger peptidyl tRNA hydrolase 1; plus strand). Cytogenetic location: 2q35.
Variant type: single nucleotide variant.
Coding change: c.1042G>A on transcript NM_018089.3 (MANE Select); coding-DNA position 1042, G replaced by A.
Protein change: p.Val348Ile; replaces valine 348 with isoleucine.
Molecular consequence: missense variant.
Genome position (GRCh38, 1-based): chr2:219,233,937, G>A. VCF-style: chr2-219233937-G-A. GRCh37 (hg19) VCF-style: chr2-220098659-G-A.
Other names: c.1042G>A, p.Val348Ile (NM_001042410.2); c.412G>A, p.Val138Ile (NM_001282792.2); short protein forms V138I, V348I.
Identifiers: ClinVar variation 1996955 (VCV001996955.4), dbSNP rs1033809857, ClinGen allele CA65971232.
Genomic context (GRCh38, chr2:219,233,937, plus strand): 5'-ACCCGCAGACCCACCTTCCAAGAGCTACAGCGTGTGCTCCATAAGCTGACCACTTTGCAT[G>A]TCTATGGTGAGCCTTTGCTCCAGATCCCAATTCCCTAGACCTTCCTGTTCTCTCCAACCT-3'
Protein context (NP_060559.2, residues 338-358): RVLHKLTTLH[Val348Ile]YEEDPREAVR